The following is an entry in ClinVar:

ClinVar aggregate classification (germline): Uncertain significance (1 of 4 stars; one submission).

Conditions:
Familial melanoma. Also called: Hereditary melanoma; Hereditary cutaneous melanoma. Identifiers: Orphanet 618, MedGen C1512419, MONDO:0018961.

Submission:

Labcorp Genetics (formerly Invitae), Labcorp
Classification: Uncertain significance for Familial melanoma. Last evaluated: 2025-08-17. Review status: criteria provided, single submitter. Criteria: Invitae Variant Classification Sherloc (09022015). Collection method: clinical testing. Allele origin: germline.
Comment: This sequence change replaces arginine, which is basic and polar, with serine, which is neutral and polar, at codon 138 of the CDKN2A (p16INK4a) protein (p.Arg138Ser). This variant is not present in population databases (gnomAD no frequency). This variant has not been reported in the literature in individuals affected with CDKN2A (p16INK4a)-related conditions. An algorithm developed to predict the effect of missense changes on protein structure and function (PolyPhen-2) suggests that this variant is likely to be tolerated. In summary, the available evidence is currently insufficient to determine the role of this variant in disease. Therefore, it has been classified as a Variant of Uncertain Significance.

NM_000077.5(CDKN2A):c.414A>C (p.Arg138Ser)

Gene: CDKN2A (cyclin dependent kinase inhibitor 2A; minus strand). Cytogenetic location: 9p21.3.
Variant type: single nucleotide variant.
Coding change: c.414A>C on transcript NM_000077.5; coding-DNA position 414, A replaced by C.
Protein change: p.Arg138Ser; replaces arginine 138 with serine.
Molecular consequence: missense variant (on NM_000077.6). On other transcripts: 3 prime UTR variant (2).
Genome position (GRCh38, 1-based): chr9:21,970,945, T>G on the plus strand (A>C on the coding strand, the complement: CDKN2A is on the minus strand). VCF-style: chr9-21970945-T-G. GRCh37 (hg19) VCF-style: chr9-21970944-T-G.
Other names: c.414A>C, p.Arg138Ser (NM_000077.6, NM_001195132.2); c.261A>C, p.Arg87Ser (NM_001363763.2); c.*58A>C (NM_058195.4); c.*337A>C (NM_058197.5); short protein forms R87S, R138S.
Identifiers: ClinVar variation 4725551 (VCV004725551.1).